The following is an entry in ClinVar:

NM_006922.4(SCN3A):c.10G>A (p.Ala4Thr)

Gene: SCN3A (sodium voltage-gated channel alpha subunit 3; minus strand). Cytogenetic location: 2q24.3.
Variant type: single nucleotide variant.
Coding change: c.10G>A on transcript NM_006922.4 (MANE Select); coding-DNA position 10, G replaced by A.
Protein change: p.Ala4Thr; replaces alanine 4 with threonine.
Molecular consequence: missense variant.
Genome position (GRCh38, 1-based): chr2:165,176,385, C>T on the plus strand (G>A on the coding strand, the complement: SCN3A is on the minus strand). VCF-style: chr2-165176385-C-T. GRCh37 (hg19) VCF-style: chr2-166032895-C-T.
Other names: c.10G>A, p.Ala4Thr (NM_001081676.2, NM_001081677.2); short protein forms A4T.
Identifiers: ClinVar variation 2990936 (VCV002990936.3), dbSNP rs1215630689, ClinGen allele CA349241263.

ClinVar aggregate classification (germline): Uncertain significance (1 of 4 stars; one submission).

Submission:

Labcorp Genetics (formerly Invitae), Labcorp
Classification: Uncertain significance. Last evaluated: 2023-10-17. Review status: criteria provided, single submitter. Criteria: Invitae Variant Classification Sherloc (09022015). Collection method: clinical testing. Allele origin: germline.
Comment: This sequence change replaces alanine, which is neutral and non-polar, with threonine, which is neutral and polar, at codon 4 of the SCN3A protein (p.Ala4Thr). This variant is not present in population databases (gnomAD no frequency). This variant has not been reported in the literature in individuals affected with SCN3A-related conditions. Advanced modeling of protein sequence and biophysical properties (such as structural, functional, and spatial information, amino acid conservation, physicochemical variation, residue mobility, and thermodynamic stability) performed at Invitae indicates that this missense variant is not expected to disrupt SCN3A protein function. In summary, the available evidence is currently insufficient to determine the role of this variant in disease. Therefore, it has been classified as a Variant of Uncertain Significance.